The following is an entry in ClinVar:

ClinVar aggregate classification (germline): Uncertain significance. Review status: criteria provided, multiple submitters, no conflicts (2 of 4 stars). 2 submissions from 2 submitters: Uncertain significance (2). Last evaluated 2025-12-13.

Allele frequency attached by ClinVar (database versions not stated): gnomAD exomes 0.00001; TOPMed 0.00001; ExAC 0.00003.
gnomAD v4.1: 18 of 1,613,742 alleles (0.0011%); highest among the groups gnomAD compares: Admixed American, 0.02%; no homozygotes.

Submissions (2):

Labcorp Genetics (formerly Invitae), Labcorp
Classification: Uncertain significance. Last evaluated: 2025-12-13. Review status: criteria provided, single submitter. Criteria: Invitae Variant Classification Sherloc (09022015). Collection method: clinical testing. Allele origin: germline.
Comment: This sequence change replaces histidine, which is basic and polar, with tyrosine, which is neutral and polar, at codon 238 of the EIF2AK1 protein (p.His238Tyr). This variant is present in population databases (rs778845195, gnomAD 0.03%). This variant has not been reported in the literature in individuals affected with EIF2AK1-related conditions. ClinVar contains an entry for this variant (Variation ID: 2045751). An algorithm developed to predict the effect of missense changes on protein structure and function (PolyPhen-2) suggests that this variant is likely to be tolerated. In summary, the available evidence is currently insufficient to determine the role of this variant in disease. Therefore, it has been classified as a Variant of Uncertain Significance.

Ambry Genetics
Classification: Uncertain significance. Last evaluated: 2025-01-23. Review status: criteria provided, single submitter. Criteria: Ambry Variant Classification Scheme 2023. Collection method: clinical testing. Allele origin: germline.

NM_014413.4(EIF2AK1):c.712C>T (p.His238Tyr)

Gene: EIF2AK1 (eukaryotic translation initiation factor 2 alpha kinase 1; minus strand). Cytogenetic location: 7p22.1.
Variant type: single nucleotide variant.
Coding change: c.712C>T on transcript NM_014413.4 (MANE Select); coding-DNA position 712, C replaced by T.
Protein change: p.His238Tyr; replaces histidine 238 with tyrosine.
Molecular consequence: missense variant.
Genome position (GRCh38, 1-based): chr7:6,044,580, G>A on the plus strand (C>T on the coding strand, the complement: EIF2AK1 is on the minus strand). VCF-style: chr7-6044580-G-A. GRCh37 (hg19) VCF-style: chr7-6084211-G-A.
Other names: c.712C>T (NM_014413.3); c.712C>T, p.His238Tyr (NM_001134335.2); short protein forms H238Y.
Identifiers: ClinVar variation 2045751 (VCV002045751.5), dbSNP rs778845195, ClinGen allele CA4151096.